The following is an entry in ClinVar:

NM_153717.3(EVC):c.1688_1692del (p.Glu563fs)

Gene: EVC (EvC ciliary complex subunit 1; plus strand). Cytogenetic location: 4p16.2.
Variant type: Deletion.
Coding change: c.1688_1692del on transcript NM_153717.3 (MANE Select); coding-DNA positions 1688 to 1692, 5 bases deleted (AGAAC; older notation c.1688_1692delAGAAC).
Protein change: p.Glu563fs; shifts the reading frame from glutamic acid 563.
Molecular consequence: frameshift variant.
Genome position (GRCh38, 1-based): chr4:5,783,676-5,783,680, AGAAC deleted. VCF-style (leftmost placement, unchanged base first): chr4-5783675-GAGAAC-G. GRCh37 (hg19) VCF-style: chr4-5785402-GAGAAC-G.
Other names: c.1688_1692del, p.Glu563fs (NM_001306090.2); short protein forms E563fs.
Identifiers: ClinVar variation 5012518 (VCV005012518.1).

ClinVar aggregate classification (germline): Pathogenic (1 of 4 stars; one submission).

Conditions:
Ellis-van Creveld syndrome (EVC). Also called: MESOECTODERMAL DYSPLASIA; Chondroectodermal dysplasia. Identifiers: Orphanet 289, MedGen C0013903, MONDO:0009162, OMIM 225500.

Submission:

Myriad Genetics, Inc.
Classification: Pathogenic for Ellis-van Creveld syndrome. Last evaluated: 2023-11-25. Review status: criteria provided, single submitter. Criteria: Myriad Autosomal Dominant, Autosomal Recessive and X-Linked Classification Criteria (2023). Collection method: clinical testing. Allele origin: unknown.
Comment: NM_153717.2(EVC):c.1688_1692del5(E563Gfs*64) is expected to be pathogenic in the context of EVC-related Ellis-van Creveld syndrome. This variant is predicted to lead to an abnormal or absent protein product due to the creation of a premature termination codon in EVC, a gene where loss-of-function variants are known to be pathogenic. Please note: this variant was assessed in the context of healthy population screening.